The following is an entry in ClinVar:

NM_133433.4(NIPBL):c.3477T>A (p.Tyr1159Ter)

Gene: NIPBL (NIPBL cohesin loading factor; plus strand). Cytogenetic location: 5p13.2.
Variant type: single nucleotide variant.
Coding change: c.3477T>A on transcript NM_133433.4 (MANE Select); coding-DNA position 3477, T replaced by A.
Protein change: p.Tyr1159Ter; replaces tyrosine 1159 with a stop codon.
Molecular consequence: nonsense.
Genome position (GRCh38, 1-based): chr5:37,000,545, T>A. VCF-style: chr5-37000545-T-A. GRCh37 (hg19) VCF-style: chr5-37000647-T-A.
Other names: c.3477T>A, p.Tyr1159Ter (NM_015384.5); short protein forms Y1159*.
Identifiers: ClinVar variation 3650966 (VCV003650966.2).
Genomic context (GRCh38, chr5:37,000,545, plus strand): 5'-GAGTTCAGGTGGTGGTCGTTATCGAAACCGAAGTCCGTCAGATTCTGACATGGAAGATTA[T>A]TCTCCTCCTCCCAGCCTTAGTGAGGGTAATTCATCAGTGTCAACGGATTTCTTACATAAA-3'

ClinVar aggregate classification (germline): Pathogenic (1 of 4 stars; one submission).

Conditions:
Cornelia de Lange syndrome 1 (CDLS1). Also called: NIPBL-Related Cornelia de Lange Syndrome; TYPUS DEGENERATIVUS AMSTELODAMENSIS; Brachmann de Lange syndrome. Identifiers: Orphanet 199, MedGen C4551851, MONDO:0007387, OMIM 122470.

Submission:

Labcorp Genetics (formerly Invitae), Labcorp
Classification: Pathogenic for Cornelia de Lange syndrome 1. Last evaluated: 2024-08-01. Review status: criteria provided, single submitter. Criteria: Invitae Variant Classification Sherloc (09022015). Collection method: clinical testing. Allele origin: germline.
Comment: This sequence change creates a premature translational stop signal (p.Tyr1159*) in the NIPBL gene. It is expected to result in an absent or disrupted protein product. Loss-of-function variants in NIPBL are known to be pathogenic (PMID: 15318302, 19763162, 23505322, 29995837). This variant is not present in population databases (gnomAD no frequency). This variant has not been reported in the literature in individuals affected with NIPBL-related conditions. For these reasons, this variant has been classified as Pathogenic.

Literature cited by the submitters: PubMed 15318302; PubMed 19763162; PubMed 23505322; PubMed 29995837.